The following is an entry in ClinVar:

NM_000062.3(SERPING1):c.902del (p.Thr301fs)

Gene: SERPING1 (serpin family G member 1; plus strand). Cytogenetic location: 11q12.1.
Variant type: Deletion.
Coding change: c.902del on transcript NM_000062.3 (MANE Select); coding-DNA position 902, one base deleted (C; older notation c.902delC).
Protein change: p.Thr301fs; shifts the reading frame from threonine 301.
Molecular consequence: frameshift variant.
Genome position (GRCh38, 1-based): chr11:57,606,420, C deleted. VCF-style (leftmost placement, unchanged base first): chr11-57606419-AC-A. GRCh37 (hg19) VCF-style: chr11-57373892-AC-A.
Other names: c.902del, p.Thr301fs (NM_001032295.2); short protein forms T301fs.
Identifiers: ClinVar variation 979217 (VCV000979217.3), dbSNP rs1945410259, ClinGen allele CA1139661965.

ClinVar aggregate classification (germline): Pathogenic (1 of 4 stars; one submission).

Conditions:
Hereditary angioedema type 1 (HAE1). Identifiers: Orphanet 100050, Orphanet 100051, Orphanet 91378, MedGen C2717906, MONDO:0015053, OMIM 106100.

Submission:

Division of Rheumatology, Allergy and Immunology, UCSD
Classification: Pathogenic for Hereditary angioedema type 1. Last evaluated: 2020-08-25. Review status: criteria provided, single submitter. Criteria: ACMG Guidelines, 2015. Collection method: research. Allele origin: somatic. Affected: yes. Observed: 1 variant allele.
Comment: Predicted loss-of-function (LOF) associated with low C1-INH plasma levels in patients with hereditary angioedema symptoms.